The following is an entry in ClinVar:

ClinVar aggregate classification (germline): Uncertain significance (1 of 4 stars; one submission).

Conditions:
Acute lymphoid leukemia (ALL). Also called: Leukemia, acute lymphoblastic, somatic; Acute lymphoblastic leukemia; Acute lymphocytic leukemia; Lymphoblastic leukemia. Identifiers: Orphanet 513, MedGen C0023449, MONDO:0004967, OMIM 613065, HP:0006721.

gnomAD v4.1: 5 of 703,516 alleles (0.00071%); highest among the groups gnomAD compares: Admixed American, 0.004%; no homozygotes.

Submission:

St. Jude Molecular Pathology, St. Jude Children's Research Hospital
Classification: Uncertain significance for Acute lymphoid leukemia. Last evaluated: 2026-02-11. Review status: criteria provided, single submitter. Criteria: St. Jude Assertion Criteria 2020. Collection method: clinical testing. Allele origin: germline.
Comment: The IKZF1 c.274T>C p.(Cys92Arg) missense change has a maximum subpopulation frequency of 0.011% in gnomAD v2.1.1. The in silico tool REVEL predicts a benign effect on protein function, but to our knowledge this prediction has not been confirmed by functional studies. This variant occurs in a gene where missense variants are more likely to be damaging based on methods described by Lek et al. (PMID: 27535533). To our knowledge, this variant has not been reported in individuals with acute lymphoblastic leukemia or immunodeficiency. In summary, the evidence currently available is insufficient to determine the clinical significance of this variant. It has therefore been classified as of uncertain significance.

NM_006060.6(IKZF1):c.161-8414T>C

Gene: IKZF1 (IKAROS family zinc finger 1; plus strand). Cytogenetic location: 7p12.2.
Variant type: single nucleotide variant.
Coding change: c.161-8414T>C on transcript NM_006060.6 (MANE Select); 8414 bases into the intron before coding-DNA position 161, T replaced by C.
Molecular consequence: intron variant. On other transcripts: missense variant (1).
Genome position (GRCh38, 1-based): chr7:50,368,119, T>C. VCF-style: chr7-50368119-T-C. GRCh37 (hg19) VCF-style: chr7-50435817-T-C.
Other names: c.274T>C, p.Cys92Arg (NM_001291845.2); c.220+54T>C (NM_001410879.1, NM_001291846.2, NM_001291847.2); c.161-14421T>C (NM_001291839.2, NM_001291838.2, NM_001220767.2 and 1 more transcripts); c.161-8414T>C (NM_001220765.3, NM_001291837.2, NM_001220768.2 and 1 more transcripts); c.161-19226T>C (NM_001291841.1, NM_001291842.1); c.161-23610T>C (NM_001291843.1, NM_001291844.1); c.161-31799T>C (NM_001291840.1); short protein forms C92R.
Identifiers: ClinVar variation 4813157 (VCV004813157.1).